The following is an entry in ClinVar:

ClinVar aggregate classification (germline): Pathogenic/Likely pathogenic. Review status: criteria provided, multiple submitters, no conflicts (2 of 4 stars). 6 submissions from 6 submitters: Pathogenic (4); Likely pathogenic (1). 1 of the submissions does not count toward it. Last evaluated 2024-07-11.

Conditions:
Early-infantile DEE. Also called: Early infantile epileptic encephalopathy; Early infantile epileptic encephalopathy with suppression bursts; Ohtahara syndrome. Identifiers: Orphanet 1934, MedGen C0393706, MONDO:0800491.
Severe myoclonic epilepsy in infancy (DRVT). Also called: SEVERE MYOCLONIC EPILEPSY OF INFANCY; DEVELOPMENTAL AND EPILEPTIC ENCEPHALOPATHY 6A; Severe Myoclonic Epilepsy in Infancy (SMEI); Dravet syndrome; Epileptic encephalopathy, early infantile, 6 (Dravet syndrome). Identifiers: Orphanet 33069, MedGen C0751122, MONDO:0100135, OMIM 607208.

Submissions (6):

GeneDx
Classification: Pathogenic. Last evaluated: 2024-07-11. Review status: criteria provided, single submitter. Criteria: GeneDx Variant Classification Process June 2021. Collection method: clinical testing. Allele origin: germline. Affected: yes.
Comment: In silico analysis supports that this missense variant has a deleterious effect on protein structure/function; This substitution is predicted to be within the transmembrane segment S3 of the fourth homologous domain; Not observed at significant frequency in large population cohorts (gnomAD); This variant is associated with the following publications: (PMID: 17561957, 31302675, 23195492, 35087721, 18804930, 31357904, 19563458, 24168886, 34926809, 31780880, 32090326, 31440721, 30755392, 35074891, 22581936)

Labcorp Genetics (formerly Invitae), Labcorp
Classification: Pathogenic for Early-infantile DEE. Last evaluated: 2022-07-05. Review status: criteria provided, single submitter. Criteria: Invitae Variant Classification Sherloc (09022015). Collection method: clinical testing. Allele origin: germline.
Comment: This variant is not present in population databases (gnomAD no frequency). For these reasons, this variant has been classified as Pathogenic. This variant disrupts the p.Asp1608 amino acid residue in SCN1A. Other variant(s) that disrupt this residue have been determined to be pathogenic (PMID: 23195492). This suggests that this residue is clinically significant, and that variants that disrupt this residue are likely to be disease-causing. Advanced modeling of protein sequence and biophysical properties (such as structural, functional, and spatial information, amino acid conservation, physicochemical variation, residue mobility, and thermodynamic stability) performed at Invitae indicates that this missense variant is expected to disrupt SCN1A protein function. ClinVar contains an entry for this variant (Variation ID: 68554). This missense change has been observed in individual(s) with early-onset epilepsy and severe myoclonic epilepsy (PMID: 17561957; Invitae). In at least one individual the variant was observed to be de novo. This sequence change replaces aspartic acid, which is acidic and polar, with tyrosine, which is neutral and polar, at codon 1608 of the SCN1A protein (p.Asp1608Tyr).

NeuroMeGen, Hospital Clinico Santiago de Compostela
Classification: Likely pathogenic for Severe myoclonic epilepsy in infancy. Last evaluated: 2018-01-01. Review status: criteria provided, single submitter. Criteria: ACMG Guidelines, 2015. Collection method: clinical testing. Allele origin: unknown. Affected: yes. Observed: 1 heterozygote.

Center for Personalized Medicine, Children's Hospital Los Angeles
Classification: Pathogenic. Last evaluated: 2016-03-15. Review status: criteria provided, single submitter. Criteria: ACMG Guidelines, 2015. Collection method: clinical testing. Allele origin: germline. Affected: yes.

Center for Bioinformatics, Peking University
Classification: Pathogenic for Dravet syndrome. Last evaluated: 2014-12-20. Review status: criteria provided, single submitter. Criteria: Xu et al. (Hum Mutat. 2015). Collection method: research. Allele origin: paternal. Affected: yes. Observed: 2 variant alleles. Study: University Clinical Cooperation “985 Project” PKU-2014-1-1.
Comment: Dravet syndrome (DS) probands were recruited from the outpatient and inpatient child neurology units of Peking University First Hospital from 2005 till present. The study was approved by the Ethics Committee of Peking University First Hospital and the Institutional Review Board at Peking University. Participants or their parents provided written informed consent before enrollment. We collected a total of 267 mutations from 255 families with probands diagnosed with DS in China. All probands fulfilled the clinical diagnostic criteria.

UniProtKB/Swiss-Prot
No classification provided. Condition: Severe myoclonic epilepsy in infancy. Review status: no classification provided. Collection method: not provided. Allele origin: unknown. Not counted in ClinVar's aggregate classification.

Literature cited by the submitters: PubMed 23195492 (cited by Labcorp Genetics (formerly Invitae), Labcorp); PubMed 17561957 (cited by Labcorp Genetics (formerly Invitae), Labcorp).

NM_001165963.4(SCN1A):c.4822G>T (p.Asp1608Tyr)

Genes: SCN1A (sodium voltage-gated channel alpha subunit 1; minus strand), LOC102724058 (uncharacterized LOC102724058; plus strand). Cytogenetic location: 2q24.3.
Variant type: single nucleotide variant.
Coding change: c.4822G>T on transcript NM_001165963.4 (MANE Select); coding-DNA position 4822, G replaced by T.
Protein change: p.Asp1608Tyr; replaces aspartic acid 1608 with tyrosine.
Molecular consequence: missense variant. On other transcripts: non-coding transcript variant (1).
Genome position (GRCh38, 1-based): chr2:165,994,176, C>A on the plus strand (G>T on the coding strand, the complement: SCN1A is on the minus strand). VCF-style: chr2-165994176-C-A. GRCh37 (hg19) VCF-style: chr2-166850686-C-A.
Other names: c.4738G>T, p.Asp1580Tyr (NM_001165964.3, NM_001353957.2, NM_001353958.2); c.4822G>T, p.Asp1608Tyr (NM_001202435.3, NM_001353948.2); c.4789G>T, p.Asp1597Tyr (NM_001353949.2, NM_001353950.2, NM_001353951.2 and 2 more transcripts); c.4786G>T, p.Asp1596Tyr (NM_001353954.2, NM_001353955.2); c.4735G>T, p.Asp1579Tyr (NM_001353960.2); c.2380G>T, p.Asp794Tyr (NM_001353961.2); short protein forms D1597Y, D1608Y, D1579Y, D1580Y, D1596Y, D794Y.
Identifiers: ClinVar variation 68554 (VCV000068554.13), dbSNP rs121917915, ClinGen allele CA284982.